The following is an entry in ClinVar:

ClinVar aggregate classification (germline): Uncertain significance. Review status: criteria provided, multiple submitters, no conflicts (2 of 4 stars). 2 submissions from 2 submitters: Uncertain significance (2). Last evaluated 2024-12-10.

Submissions (2):

Ambry Genetics
Classification: Uncertain significance. Last evaluated: 2024-12-10. Review status: criteria provided, single submitter. Criteria: Ambry Variant Classification Scheme 2023. Collection method: clinical testing. Allele origin: germline.

Mayo Clinic Laboratories, Mayo Clinic
Classification: Uncertain significance. Last evaluated: 2023-12-05. Review status: criteria provided, single submitter. Criteria: ACMG Guidelines, 2015. Collection method: clinical testing. Allele origin: germline. Observed: 1 variant allele.
Comment: BP4

NM_001201550.3(CFHR4):c.1520C>T (p.Ser507Leu)

Gene: CFHR4 (complement factor H related 4; plus strand). Cytogenetic location: 1q31.3.
Variant type: single nucleotide variant.
Coding change: c.1520C>T on transcript NM_001201550.3 (MANE Select); coding-DNA position 1520, C replaced by T.
Protein change: p.Ser507Leu; replaces serine 507 with leucine.
Molecular consequence: missense variant.
Genome position (GRCh38, 1-based): chr1:196,915,118, C>T. VCF-style: chr1-196915118-C-T. GRCh37 (hg19) VCF-style: chr1-196884248-C-T.
Other names: p.Ser506Leu; c.1517C>T, p.Ser506Leu (NM_001201551.2); c.779C>T, p.Ser260Leu (NM_006684.5); c.1520C>T (NM_001201550.2); short protein forms S260L, S506L, S507L.
Identifiers: ClinVar variation 3380408 (VCV003380408.2).
Genomic context (GRCh38, chr1:196,915,118, plus strand): 5'-GCCAGTCCTACTATGAACTTCAGGGTTCTAATTATGTAACATGTAGTAATGGAGAGTGGT[C>T]GGAACCACCAAGATGCATACGTAAGTTCTTAAAATTCTAGATCCTGAGAAAATCAGAGTA-3'
Protein context (NP_001188479.1, residues 497-517): NYVTCSNGEW[Ser507Leu]EPPRCIHPCI